The following is an entry in ClinVar:

NM_001458.5(FLNC):c.1043A>G (p.His348Arg)

Gene: FLNC (filamin C; plus strand). Cytogenetic location: 7q32.1.
Variant type: single nucleotide variant.
Coding change: c.1043A>G on transcript NM_001458.5 (MANE Select); coding-DNA position 1043, A replaced by G.
Protein change: p.His348Arg; replaces histidine 348 with arginine.
Molecular consequence: missense variant.
Genome position (GRCh38, 1-based): chr7:128,838,060, A>G. VCF-style: chr7-128838060-A-G. GRCh37 (hg19) VCF-style: chr7-128478114-A-G.
Other names: c.1043A>G, p.His348Arg (NM_001127487.2); short protein forms H348R.
Identifiers: ClinVar variation 3761294 (VCV003761294.3).

ClinVar aggregate classification (germline): Uncertain significance. Review status: criteria provided, multiple submitters, no conflicts (2 of 4 stars). 2 submissions from 2 submitters: Uncertain significance (2). Last evaluated 2025-07-04.

Conditions:
Myofibrillar myopathy 5. Also called: Filaminopathy (type); FILAMINOPATHY, AUTOSOMAL DOMINANT. Identifiers: Orphanet 171445, MedGen C1836050, MONDO:0012289, OMIM 609524.
Distal myopathy with posterior leg and anterior hand involvement. Also called: WILLIAMS DISTAL MYOPATHY. Identifiers: Orphanet 63273, MedGen C3279722, MONDO:0013550, OMIM 614065.
Hypertrophic cardiomyopathy 26. Also called: Cardiomyopathy, familial hypertrophic, 26. Identifiers: Orphanet 75249, MedGen C4310749, MONDO:0014883, OMIM 617047.
FLNC-related disorder. Also called: FLNC-related condition; FLNC-related disorders.

Submissions (2):

PreventionGenetics, part of Exact Sciences
Classification: Uncertain significance for FLNC-related condition. Last evaluated: 2025-07-04. Review status: criteria provided, single submitter. Criteria: ACMG Guidelines, 2015. Collection method: clinical testing. Allele origin: germline.
Comment: The FLNC c.1043A>G variant is predicted to result in the amino acid substitution p.His348Arg. To our knowledge, this variant has not been reported in the literature or in a large population database (gnomAD), indicating this variant is rare. At this time, the clinical significance of this variant is uncertain due to the absence of conclusive functional and genetic evidence.

Labcorp Genetics (formerly Invitae), Labcorp
Classification: Uncertain significance for Distal myopathy with posterior leg and anterior hand involvement; Myofibrillar myopathy 5; Hypertrophic cardiomyopathy 26. Last evaluated: 2024-11-11. Review status: criteria provided, single submitter. Criteria: Invitae Variant Classification Sherloc (09022015). Collection method: clinical testing. Allele origin: germline.
Comment: This sequence change replaces histidine, which is basic and polar, with arginine, which is basic and polar, at codon 348 of the FLNC protein (p.His348Arg). This variant is not present in population databases (gnomAD no frequency). This variant has not been reported in the literature in individuals affected with FLNC-related conditions. Invitae Evidence Modeling of protein sequence and biophysical properties (such as structural, functional, and spatial information, amino acid conservation, physicochemical variation, residue mobility, and thermodynamic stability) has been performed for this missense variant. However, the output from this modeling did not meet the statistical confidence thresholds required to predict the impact of this variant on FLNC protein function. In summary, the available evidence is currently insufficient to determine the role of this variant in disease. Therefore, it has been classified as a Variant of Uncertain Significance.